The following is an entry in ClinVar:

NM_001267550.2(TTN):c.38016G>T (p.Lys12672Asn)

Gene: TTN (titin; minus strand). Cytogenetic location: 2q31.2.
Variant type: single nucleotide variant.
Coding change: c.38016G>T on transcript NM_001267550.2 (MANE Select); coding-DNA position 38016, G replaced by T.
Protein change: p.Lys12672Asn; replaces lysine 12672 with asparagine.
Molecular consequence: missense variant. On other transcripts: intron variant (5).
Genome position (GRCh38, 1-based): chr2:178,657,520, C>A on the plus strand (G>T on the coding strand, the complement: TTN is on the minus strand). VCF-style: chr2-178657520-C-A. GRCh37 (hg19) VCF-style: chr2-179522247-C-A.
Other names: c.13283-15203G>T (NM_003319.4); c.13859-15203G>T (NM_133437.4); c.13658-15203G>T (NM_133432.3); c.31741+1485G>T (NM_133378.4); c.34522+1485G>T (NM_001256850.1); short protein forms K12672N.
Identifiers: ClinVar variation 2672844 (VCV002672844.23), dbSNP rs764034537, ClinGen allele CA349480647.

ClinVar aggregate classification (germline): Uncertain significance (1 of 4 stars; one submission).

Submission:

CeGaT Center for Human Genetics Tuebingen
Classification: Uncertain significance. Last evaluated: 2023-11-01. Review status: criteria provided, single submitter. Criteria: CeGaT Center For Human Genetics Tuebingen Variant Classification Criteria Version 2. Collection method: clinical testing. Allele origin: germline. Affected: yes. Observed: 1 variant allele.
Comment: TTN: PM2